The following is an entry in ClinVar:

ClinVar aggregate classification (germline): Pathogenic/Likely pathogenic. Review status: criteria provided, multiple submitters, no conflicts (2 of 4 stars). 2 submissions from 2 submitters: Pathogenic (1); Likely pathogenic (1). Last evaluated 2025-12-26.

Conditions:
Severe combined immunodeficiency due to DCLRE1C deficiency (RS-SCID). Also called: SCID, AUTOSOMAL RECESSIVE, T CELL-NEGATIVE, B CELL-NEGATIVE, NK CELL-POSITIVE, WITH SENSITIVITY TO IONIZING RADIATION. Identifiers: Orphanet 275, MedGen C1865371, MONDO:0011225, OMIM 602450.
Histiocytic medullary reticulosis. Also called: SEVERE COMBINED IMMUNODEFICIENCY WITH HYPEREOSINOPHILIA; Omenn syndrome. Identifiers: Orphanet 39041, MedGen C2700553, MONDO:0011338, OMIM 603554.

Submissions (2):

Labcorp Genetics (formerly Invitae), Labcorp
Classification: Pathogenic for Athabaskan severe combined immunodeficiency. Last evaluated: 2025-12-26. Review status: criteria provided, single submitter. Criteria: Invitae Variant Classification Sherloc (09022015). Collection method: clinical testing. Allele origin: germline.
Comment: This sequence change creates a premature translational stop signal (p.Glu104Argfs*4) in the DCLRE1C gene. It is expected to result in an absent or disrupted protein product. Loss-of-function variants in DCLRE1C are known to be pathogenic (PMID: 21664875, 26123418). This variant is not present in population databases (gnomAD no frequency). This variant has not been reported in the literature in individuals affected with DCLRE1C-related conditions. Algorithms developed to predict the effect of sequence changes on RNA splicing suggest that this variant may disrupt the consensus splice site. For these reasons, this variant has been classified as Pathogenic.

Baylor Genetics
Classification: Likely pathogenic for Histiocytic medullary reticulosis. Last evaluated: 2023-09-19. Review status: criteria provided, single submitter. Criteria: ACMG Guidelines, 2015. Collection method: clinical testing. Allele origin: unknown.

Literature cited by the submitters: PubMed 21664875 (cited by Labcorp Genetics (formerly Invitae), Labcorp); PubMed 26123418 (cited by Labcorp Genetics (formerly Invitae), Labcorp).

NM_001033855.3(DCLRE1C):c.310_313del

Gene: DCLRE1C (DNA cross-link repair 1C; minus strand). Cytogenetic location: 10p13.
Variant type: Microsatellite.
Coding change: c.310_313del on transcript NM_001033855.3 (MANE Select); coding-DNA positions 310 to 313, 4 bases deleted (GAAG; older notation c.310_313delGAAG).
Molecular consequence: splice acceptor variant. On other transcripts: intron variant (4).
Genome position (GRCh38, 1-based): chr10:14,936,587-14,936,590, CTTC deleted on the plus strand (GAAG on the coding strand, the reverse complement: DCLRE1C is on the minus strand); deleting any 4 consecutive bases within chr10:14,936,587-14,936,594 gives the same sequence; the c. name uses the placement nearest the transcript's 3' end. VCF-style (leftmost placement, unchanged base first): chr10-14936586-TCTTC-T. GRCh37 (hg19) VCF-style: chr10-14978585-TCTTC-T.
Other names: c.18-1026_18-1023del (NM_001350966.2, NM_001289078.2, NM_001289076.2 and 1 more transcripts).
Identifiers: ClinVar variation 1388521 (VCV001388521.47), dbSNP rs2130974126, ClinGen allele CA2574496418.